The following is an entry in ClinVar:

ClinVar aggregate classification (germline): Likely benign (0 of 4 stars; one submission).

Conditions:
FBN1-related disorder. Also called: FBN1-related disorders.

Allele frequency attached by ClinVar (database versions not stated): gnomAD exomes 0.00001.

Submission:

PreventionGenetics, part of Exact Sciences
Classification: Likely benign for FBN1-related condition. Last evaluated: 2024-01-03. Review status: no assertion criteria provided. Collection method: clinical testing. Allele origin: germline.
Comment: This variant is classified as likely benign based on ACMG/AMP sequence variant interpretation guidelines (Richards et al. 2015 PMID: 25741868, with internal and published modifications).

NM_000138.5(FBN1):c.1589-18T>C

Gene: FBN1 (fibrillin 1; minus strand). Cytogenetic location: 15q21.1.
Variant type: single nucleotide variant.
Coding change: c.1589-18T>C on transcript NM_000138.5 (MANE Select); 18 bases into the intron before coding-DNA position 1589, T replaced by C.
Molecular consequence: intron variant.
Genome position (GRCh38, 1-based): chr15:48,510,187, A>G on the plus strand (T>C on the coding strand, the complement: FBN1 is on the minus strand). VCF-style: chr15-48510187-A-G. GRCh37 (hg19) VCF-style: chr15-48802384-A-G.
Other names: c.1589-18T>C (NM_001406716.1).
Identifiers: ClinVar variation 3031173 (VCV003031173.2), dbSNP rs1412530350, ClinGen allele CA617840083.